The following is an entry in ClinVar:

ClinVar aggregate classification (germline): Uncertain significance. Review status: criteria provided, multiple submitters, no conflicts (2 of 4 stars). 3 submissions from 3 submitters: Uncertain significance (3). Last evaluated 2024-05-28.

Conditions:
Glycogen storage disease, type V (GSD5). Also called: MCARDLE DISEASE; MUSCLE GLYCOGEN PHOSPHORYLASE DEFICIENCY; MYOPHOSPHORYLASE DEFICIENCY; PYGM DEFICIENCY; McArdle type glycogen storage disease. Identifiers: Orphanet 368, MedGen C0017924, MONDO:0009293, OMIM 232600.

Allele frequency attached by ClinVar (database versions not stated): gnomAD 0.00003; ExAC 0.00004.

Submissions (3):

Labcorp Genetics (formerly Invitae), Labcorp
Classification: Uncertain significance for Glycogen storage disease, type V. Last evaluated: 2024-05-28. Review status: criteria provided, single submitter. Criteria: Invitae Variant Classification Sherloc (09022015). Collection method: clinical testing. Allele origin: germline.
Comment: This sequence change replaces arginine, which is basic and polar, with cysteine, which is neutral and slightly polar, at codon 834 of the PYGM protein (p.Arg834Cys). This variant is present in population databases (rs200118962, gnomAD 0.03%). This variant has not been reported in the literature in individuals affected with PYGM-related conditions. ClinVar contains an entry for this variant (Variation ID: 2197078). Advanced modeling of protein sequence and biophysical properties (such as structural, functional, and spatial information, amino acid conservation, physicochemical variation, residue mobility, and thermodynamic stability) performed at Invitae indicates that this missense variant is not expected to disrupt PYGM protein function with a negative predictive value of 80%. In summary, the available evidence is currently insufficient to determine the role of this variant in disease. Therefore, it has been classified as a Variant of Uncertain Significance.

Department of Pathology and Laboratory Medicine, Sinai Health System
Classification: Uncertain significance for Glycogen storage disease, type V. Last evaluated: 2021-07-30. Review status: criteria provided, single submitter. Criteria: ACMG Guidelines, 2015. Collection method: research. Allele origin: germline.

Revvity Omics, Revvity
Classification: Uncertain significance for Glycogen storage disease, type V. Last evaluated: 2021-02-08. Review status: criteria provided, single submitter. Criteria: ACMG Guidelines, 2015. Collection method: clinical testing. Allele origin: germline.

NM_005609.4(PYGM):c.2500C>T (p.Arg834Cys)

Gene: PYGM (glycogen phosphorylase, muscle associated; minus strand). Cytogenetic location: 11q13.1.
Variant type: single nucleotide variant.
Coding change: c.2500C>T on transcript NM_005609.4 (MANE Select); coding-DNA position 2500, C replaced by T.
Protein change: p.Arg834Cys; replaces arginine 834 with cysteine.
Molecular consequence: missense variant.
Genome position (GRCh38, 1-based): chr11:64,746,688, G>A on the plus strand (C>T on the coding strand, the complement: PYGM is on the minus strand). VCF-style: chr11-64746688-G-A. GRCh37 (hg19) VCF-style: chr11-64514160-G-A.
Other names: c.2236C>T, p.Arg746Cys (NM_001164716.1); short protein forms R746C, R834C.
Identifiers: ClinVar variation 2197078 (VCV002197078.6), dbSNP rs200118962, ClinGen allele CA6079499.